The following is an entry in ClinVar:

NM_000038.6(APC):c.3943T>A (p.Ser1315Thr)

Gene: APC (APC regulator of Wnt signaling pathway; plus strand). Cytogenetic location: 5q22.2.
Variant type: single nucleotide variant.
Coding change: c.3943T>A on transcript NM_000038.6 (MANE Select); coding-DNA position 3943, T replaced by A.
Protein change: p.Ser1315Thr; replaces serine 1315 with threonine.
Molecular consequence: missense variant.
Genome position (GRCh38, 1-based): chr5:112,839,537, T>A. VCF-style: chr5-112839537-T-A. GRCh37 (hg19) VCF-style: chr5-112175234-T-A.
Other names: c.3943T>A, p.Ser1315Thr (NM_001127510.3, NM_001354895.2); c.3889T>A, p.Ser1297Thr (NM_001127511.3); c.3997T>A, p.Ser1333Thr (NM_001354896.2); c.3973T>A, p.Ser1325Thr (NM_001354897.2); c.3868T>A, p.Ser1290Thr (NM_001354898.2); c.3859T>A, p.Ser1287Thr (NM_001354899.2); c.3820T>A, p.Ser1274Thr (NM_001354900.2); c.3766T>A, p.Ser1256Thr (NM_001354901.2); and 5 more; short protein forms S1315T, S1297T, S1256T, S1333T, S1189T, S1214T, S1274T, S1287T.
Identifiers: ClinVar variation 577138 (VCV000577138.15), dbSNP rs773963355, ClinGen allele CA037117.

ClinVar aggregate classification (germline): Uncertain significance. Review status: criteria provided, multiple submitters, no conflicts (2 of 4 stars). 3 submissions from 3 submitters: Uncertain significance (3). Last evaluated 2025-10-03.

Conditions:
Hereditary cancer-predisposing syndrome. Also called: Tumor predisposition; Hereditary neoplastic syndrome; Hereditary Cancer Syndrome; Neoplastic Syndromes, Hereditary. Identifiers: Orphanet 140162, MedGen C0027672, MeSH D009386, MONDO:0015356.
Familial adenomatous polyposis 1 (FAP1). Also called: POLYPOSIS, ADENOMATOUS INTESTINAL; FAMILIAL ADENOMATOUS POLYPOSIS 1, ATTENUATED. Identifiers: MedGen C2713442, MONDO:0021056, OMIM 175100. Disease mechanism: loss of function.

Allele frequency attached by ClinVar (database versions not stated): gnomAD exomes below 0.00001; ExAC 0.00001.
gnomAD v4.1: 2 of 1,614,126 alleles (0.00012%); highest among the groups gnomAD compares: Non-Finnish European, 0.00017%; no homozygotes.

Submissions (3):

Ambry Genetics
Classification: Uncertain significance for Hereditary cancer-predisposing syndrome. Last evaluated: 2025-10-03. Review status: criteria provided, single submitter. Criteria: Ambry Variant Classification Scheme 2023. Collection method: clinical testing. Allele origin: germline.
Comment: The p.S1315T variant (also known as c.3943T>A), located in coding exon 15 of the APC gene, results from a T to A substitution at nucleotide position 3943. The serine at codon 1315 is replaced by threonine, an amino acid with similar properties. This amino acid position is not well conserved in available vertebrate species. In addition, in silico predictors for this gene do not accurately predict pathogenicity. Since supporting evidence is limited at this time, the clinical significance of this alteration remains unclear.

Quest Diagnostics Nichols Institute San Juan Capistrano
Classification: Uncertain significance. Last evaluated: 2025-03-12. Review status: criteria provided, single submitter. Criteria: Quest Diagnostics criteria. Collection method: clinical testing. Allele origin: unknown.
Comment: The APC c.3943T>A (p.Ser1315Thr) variant has not been reported in individuals with APC-related conditions in the published literature. The frequency of this variant in the general population (Genome Aggregation Database) is uninformative in the assessment of its pathogenicity. Analysis of this variant using bioinformatics tools for the prediction of the effect of amino acid changes on protein structure and function yielded predictions that this variant is benign. Based on the available information, we are unable to determine the clinical significance of this variant.

Labcorp Genetics (formerly Invitae), Labcorp
Classification: Uncertain significance for Familial adenomatous polyposis 1. Last evaluated: 2022-12-08. Review status: criteria provided, single submitter. Criteria: Invitae Variant Classification Sherloc (09022015). Collection method: clinical testing. Allele origin: germline.
Comment: This sequence change replaces serine, which is neutral and polar, with threonine, which is neutral and polar, at codon 1315 of the APC protein (p.Ser1315Thr). This variant is present in population databases (rs773963355, gnomAD 0.0009%). In summary, the available evidence is currently insufficient to determine the role of this variant in disease. Therefore, it has been classified as a Variant of Uncertain Significance. Advanced modeling of protein sequence and biophysical properties (such as structural, functional, and spatial information, amino acid conservation, physicochemical variation, residue mobility, and thermodynamic stability) performed at Invitae indicates that this missense variant is not expected to disrupt APC protein function. ClinVar contains an entry for this variant (Variation ID: 577138). This variant has not been reported in the literature in individuals affected with APC-related conditions.